The following is an entry in ClinVar:

ClinVar aggregate classification (germline): Uncertain significance (1 of 4 stars; one submission).

Conditions:
Isolated microphthalmia 5. Also called: Posterior Microphthalmia with Retinitis Pigmentosa, Foveoschisis, and Optic Disc Drusen. Identifiers: Orphanet 251279, MedGen C1970236, MONDO:0012605, OMIM 611040.

Allele frequency attached by ClinVar (database versions not stated): gnomAD 0.00001; ESP Exome Variant Server 0.00008; gnomAD exomes 0.00001 and 0.00003; TOPMed 0.00002; ExAC 0.00003.
gnomAD v4.1: 23 of 1,613,970 alleles (0.0014%); highest among the groups gnomAD compares: South Asian, 0.0022%; no homozygotes.

Submission:

Labcorp Genetics (formerly Invitae), Labcorp
Classification: Uncertain significance for Isolated microphthalmia 5. Last evaluated: 2022-08-16. Review status: criteria provided, single submitter. Criteria: Invitae Variant Classification Sherloc (09022015). Collection method: clinical testing. Allele origin: germline.
Comment: This sequence change replaces cysteine, which is neutral and slightly polar, with arginine, which is basic and polar, at codon 285 of the MFRP protein (p.Cys285Arg). This variant is present in population databases (rs368713660, gnomAD 0.06%). This missense change has been observed in individual(s) with MFRP-related conditions (PMID: 33203948). In at least one individual the data is consistent with being in trans (on the opposite chromosome) from a pathogenic variant. ClinVar contains an entry for this variant (Variation ID: 1426748). Algorithms developed to predict the effect of missense changes on protein structure and function (SIFT, PolyPhen-2, Align-GVGD) all suggest that this variant is likely to be disruptive. In summary, the available evidence is currently insufficient to determine the role of this variant in disease. Therefore, it has been classified as a Variant of Uncertain Significance.

Literature cited by the submitters: PubMed 33203948.

NM_031433.4(MFRP):c.853T>C (p.Cys285Arg)

Genes: C1QTNF5 (C1q and TNF related 5; minus strand), MFRP (membrane frizzled-related protein; minus strand). Cytogenetic location: 11q23.3.
Variant type: single nucleotide variant.
Coding change: c.853T>C on transcript NM_031433.4 (MANE Select); coding-DNA position 853, T replaced by C.
Protein change: p.Cys285Arg; replaces cysteine 285 with arginine.
Molecular consequence: missense variant. On other transcripts: 5 prime UTR variant (1).
Genome position (GRCh38, 1-based): chr11:119,344,677, A>G on the plus strand (T>C on the coding strand, the complement: MFRP is on the minus strand). VCF-style: chr11-119344677-A-G. GRCh37 (hg19) VCF-style: chr11-119215387-A-G.
Other names: c.-1784T>C (NM_015645.5); short protein forms C285R.
Identifiers: ClinVar variation 1426748 (VCV001426748.6), dbSNP rs368713660, ClinGen allele CA6320374.